The following is an entry in ClinVar:

NM_005359.6(SMAD4):c.23A>G (p.Asn8Ser)

Gene: SMAD4 (SMAD family member 4; plus strand). Cytogenetic location: 18q21.2.
Variant type: single nucleotide variant.
Coding change: c.23A>G on transcript NM_005359.6 (MANE Select); coding-DNA position 23, A replaced by G.
Protein change: p.Asn8Ser; replaces asparagine 8 with serine.
Molecular consequence: missense variant.
Genome position (GRCh38, 1-based): chr18:51,047,069, A>G. VCF-style: chr18-51047069-A-G. GRCh37 (hg19) VCF-style: chr18-48573439-A-G.
Other names: short protein forms N8S.
Identifiers: ClinVar variation 230442 (VCV000230442.16), dbSNP rs876658568, ClinGen allele CA10580969.

ClinVar aggregate classification (germline): Uncertain significance. Review status: criteria provided, multiple submitters, no conflicts (2 of 4 stars). 4 submissions from 4 submitters: Uncertain significance (4). Last evaluated 2025-09-23.

Conditions:
Familial thoracic aortic aneurysm and aortic dissection (TAAD). Also called: Thoracic aortic aneurysms and dissections. Identifiers: Orphanet 91387, MedGen C4707243, MONDO:0019625.
Hereditary cancer-predisposing syndrome. Also called: Tumor predisposition; Neoplastic Syndromes, Hereditary; Hereditary neoplastic syndrome; Hereditary Cancer Syndrome. Identifiers: Orphanet 140162, MedGen C0027672, MeSH D009386, MONDO:0015356.
Juvenile polyposis syndrome (JPS). Identifiers: Orphanet 2929, MedGen C0345893, MONDO:0017380, OMIM 174900.
Juvenile polyposis/hereditary hemorrhagic telangiectasia syndrome (JPHT). Also called: Juvenile Polyposis Syndrome / Hereditary Hemorrhagic Telangiectasia (JPS/HHT); JP/HHT SYNDROME; JUVENILE POLYPOSIS WITH HEREDITARY HEMORRHAGIC TELANGIECTASIA; POLYPOSIS, GENERALIZED JUVENILE, WITH PULMONARY ARTERIOVENOUS MALFORMATION; TELANGIECTASIA, HEREDITARY HEMORRHAGIC, WITH JUVENILE POLYPOSIS COLI. Identifiers: Orphanet 2929, MedGen C1832942, MONDO:0008278, OMIM 175050.

Allele frequency attached by ClinVar (database versions not stated): gnomAD exomes below 0.00001.
gnomAD v4.1: 1 of 1,613,840 alleles (0.000062%); highest among the groups gnomAD compares: Admixed American, 0.0017%; no homozygotes.

Submissions (4):

Labcorp Genetics (formerly Invitae), Labcorp
Classification: Uncertain significance for Juvenile polyposis syndrome. Last evaluated: 2025-09-23. Review status: criteria provided, single submitter. Criteria: Invitae Variant Classification Sherloc (09022015). Collection method: clinical testing. Allele origin: germline.
Comment: This sequence change replaces asparagine, which is neutral and polar, with serine, which is neutral and polar, at codon 8 of the SMAD4 protein (p.Asn8Ser). This variant is not present in population databases (gnomAD no frequency). This variant has not been reported in the literature in individuals affected with SMAD4-related conditions. ClinVar contains an entry for this variant (Variation ID: 230442). Invitae Evidence Modeling of protein sequence and biophysical properties (such as structural, functional, and spatial information, amino acid conservation, physicochemical variation, residue mobility, and thermodynamic stability) indicates that this missense variant is not expected to disrupt SMAD4 protein function with a negative predictive value of 95%. In summary, the available evidence is currently insufficient to determine the role of this variant in disease. Therefore, it has been classified as a Variant of Uncertain Significance.

Color Diagnostics, LLC DBA Color Health
Classification: Uncertain significance for Hereditary cancer-predisposing syndrome. Last evaluated: 2025-05-05. Review status: criteria provided, single submitter. Criteria: ACMG Guidelines, 2015. Collection method: clinical testing. Allele origin: germline.
Comment: This missense variant replaces asparagine with serine at codon 8 of the SMAD4 protein. Computational prediction suggests that this variant may not impact protein structure and function. To our knowledge, functional studies have not been reported for this variant. This variant has not been reported in individuals affected with SMAD4-related disorders in the literature. This variant has not been identified in the general population by the Genome Aggregation Database (gnomAD). The available evidence is insufficient to determine the role of this variant in disease conclusively. Therefore, this variant is classified as a Variant of Uncertain Significance.

All of Us Research Program, National Institutes of Health
Classification: Uncertain significance for Juvenile polyposis/hereditary hemorrhagic telangiectasia syndrome. Last evaluated: 2023-05-04. Review status: criteria provided, single submitter. Criteria: ACMG Guidelines, 2015. Collection method: clinical testing. Allele origin: germline. Inheritance: Autosomal dominant inheritance. Observed: 1 variant allele, 1 heterozygote.
Comment: This missense variant replaces asparagine with serine at codon 8 of the SMAD4 protein. Computational prediction suggests that this variant may not impact protein structure and function (internally defined REVEL score threshold <= 0.5, PMID: 27666373). To our knowledge, functional studies have not been reported for this variant. This variant has not been reported in individuals affected with SMAD4-related disorders in the literature. This variant has not been identified in the general population by the Genome Aggregation Database (gnomAD). The available evidence is insufficient to determine the role of this variant in disease conclusively. Therefore, this variant is classified as a Variant of Uncertain Significance.

This study involves interpretation of variants in research participants for the purpose of population health screening. Participant phenotype was not available at the time of variant classification. Additional details can be found in publication PMID: 35346344, PMCID: PMC8962531

Ambry Genetics
Classification: Uncertain significance for Hereditary cancer-predisposing syndrome; Familial thoracic aortic aneurysm and aortic dissection. Last evaluated: 2015-02-24. Review status: criteria provided, single submitter. Criteria: Ambry Variant Classification Scheme 2023. Collection method: clinical testing. Allele origin: germline.
Comment: The p.N8S variant (also known as c.23A>G), located in coding exon 1 of the SMAD4 gene, results from an A to G substitution at nucleotide position 23. The asparagine at codon 8 is replaced by serine, an amino acid with highly similar properties. This variant was not reported in population based cohorts in the following databases: Database of Single Nucleotide Polymorphisms (dbSNP), NHLBI Exome Sequencing Project (ESP), and 1000 Genomes Project. In the ESP, this variant was not observed in 6503 samples (13006 alleles) with coverage at this position. To date, this alteration has been detected with an allele frequency of approximately 0.005% (greater than 20000 alleles tested) in our clinical cohort. This amino acid position is highly conserved in available vertebrate species. In addition, this alteration is predicted to be tolerated by in silico analysis. Since supporting evidence is limited at this time, the clinical significance of p.N8S remains unclear.